The following is an entry in ClinVar:

NM_000352.6(ABCC8):c.4228G>A (p.Ala1410Thr)

Gene: ABCC8 (ATP binding cassette subfamily C member 8; minus strand). Cytogenetic location: 11p15.1.
Variant type: single nucleotide variant.
Coding change: c.4228G>A on transcript NM_000352.6 (MANE Select); coding-DNA position 4228, G replaced by A.
Protein change: p.Ala1410Thr; replaces alanine 1410 with threonine.
Molecular consequence: missense variant. On other transcripts: non-coding transcript variant (1).
Genome position (GRCh38, 1-based): chr11:17,395,689, C>T on the plus strand (G>A on the coding strand, the complement: ABCC8 is on the minus strand). VCF-style: chr11-17395689-C-T. GRCh37 (hg19) VCF-style: chr11-17417236-C-T.
Other names: c.4231G>A, p.Ala1411Thr (NM_001287174.3); c.4294G>A, p.Ala1432Thr (NM_001351295.2); c.4228G>A, p.Ala1410Thr (NM_001351296.2); c.4225G>A, p.Ala1409Thr (NM_001351297.2); short protein forms A1409T, A1411T, A1432T, A1410T.
Identifiers: ClinVar variation 2151109 (VCV002151109.10), dbSNP rs975338030, ClinGen allele CA218407985.

ClinVar aggregate classification (germline): Uncertain significance. Review status: criteria provided, multiple submitters, no conflicts (2 of 4 stars). 3 submissions from 3 submitters: Uncertain significance (3). Last evaluated 2025-07-01.

Conditions:
Leucine-induced hypoglycemia (LIH). Also called: LEUCINE-SENSITIVE HYPOGLYCEMIA OF INFANCY. Identifiers: MedGen C0271714, MONDO:0009415, OMIM 240800.
Hyperinsulinemic hypoglycemia, familial, 1 (HHF1). Also called: NESIDIOBLASTOSIS OF PANCREAS; Persistent hyperinsulinemic hypoglycemia of infancy; Persistent Hyperinsulinemia Hypoglycemia of Infancy; HYPERINSULINISM, FAMILIAL, WITH PANCREATIC NESIDIOBLASTOSIS; HYPOGLYCEMIA, HYPERINSULINEMIC, OF INFANCY. Identifiers: Orphanet 276575, Orphanet 276598, MedGen C2931832, MONDO:0009734, OMIM 256450.
Diabetes mellitus, transient neonatal, 2 (TNDM2). Identifiers: Orphanet 99886, MedGen C1835887, MONDO:0012480, OMIM 610374. Disease mechanism: loss of function.
Type 2 diabetes mellitus. Also called: Type II diabetes mellitus. Identifiers: MedGen C0011860, MeSH D003924, MONDO:0005148, OMIM 125853, HP:0005978.
Diabetes mellitus, permanent neonatal 3. Also called: ABCC8-Related Permanent Neonatal Diabetes Mellitus. Identifiers: MedGen C5394303, MONDO:0030088, OMIM 618857.

Allele frequency attached by ClinVar (database versions not stated): gnomAD 0.00001; TOPMed 0.00003.
gnomAD v4.1: 13 of 1,558,568 alleles (0.00083%); highest among the groups gnomAD compares: African/African-American, 0.0054%; no homozygotes.

Submissions (3):

CeGaT Center for Human Genetics Tuebingen
Classification: Uncertain significance. Last evaluated: 2025-07-01. Review status: criteria provided, single submitter. Criteria: CeGaT Center For Human Genetics Tuebingen Variant Classification Criteria Version 2. Collection method: clinical testing. Allele origin: germline. Affected: yes. Observed: 1 variant allele.

Fulgent Genetics
Classification: Uncertain significance for Type 2 diabetes mellitus; Leucine-induced hypoglycemia; Hyperinsulinemic hypoglycemia, familial, 1; Diabetes mellitus, transient neonatal, 2; Diabetes mellitus, permanent neonatal 3. Last evaluated: 2024-04-19. Review status: criteria provided, single submitter. Criteria: ACMG Guidelines, 2015. Collection method: clinical testing. Allele origin: germline.

Labcorp Genetics (formerly Invitae), Labcorp
Classification: Uncertain significance. Last evaluated: 2022-10-17. Review status: criteria provided, single submitter. Criteria: Invitae Variant Classification Sherloc (09022015). Collection method: clinical testing. Allele origin: germline.
Comment: This sequence change replaces alanine, which is neutral and non-polar, with threonine, which is neutral and polar, at codon 1410 of the ABCC8 protein (p.Ala1410Thr). The frequency data for this variant in the population databases is considered unreliable, as metrics indicate poor data quality at this position in the gnomAD database. This variant has not been reported in the literature in individuals affected with ABCC8-related conditions. Algorithms developed to predict the effect of missense changes on protein structure and function (SIFT, PolyPhen-2, Align-GVGD) all suggest that this variant is likely to be tolerated. In summary, the available evidence is currently insufficient to determine the role of this variant in disease. Therefore, it has been classified as a Variant of Uncertain Significance.